The following is an entry in ClinVar:

ClinVar aggregate classification (germline): Uncertain significance (1 of 4 stars; one submission).

Conditions:
Hereditary cancer-predisposing syndrome. Also called: Hereditary Cancer Syndrome; Neoplastic Syndromes, Hereditary; Tumor predisposition; Hereditary neoplastic syndrome. Identifiers: Orphanet 140162, MedGen C0027672, MeSH D009386, MONDO:0015356.

Submission:

Ambry Genetics
Classification: Uncertain significance for Hereditary cancer-predisposing syndrome. Last evaluated: 2022-03-31. Review status: criteria provided, single submitter. Criteria: Ambry Variant Classification Scheme 2023. Collection method: clinical testing. Allele origin: germline.
Comment: The p.H160R variant (also known as c.479A>G), located in coding exon 1 of the HOXB13 gene, results from an A to G substitution at nucleotide position 479. The histidine at codon 160 is replaced by arginine, an amino acid with highly similar properties. This amino acid position is conserved. In addition, this alteration is predicted to be deleterious by in silico analysis. Since supporting evidence is limited at this time, the clinical significance of this alteration remains unclear.

NM_006361.6(HOXB13):c.479A>G (p.His160Arg)

Gene: HOXB13 (homeobox B13; minus strand). Cytogenetic location: 17q21.32.
Variant type: single nucleotide variant.
Coding change: c.479A>G on transcript NM_006361.6 (MANE Select); coding-DNA position 479, A replaced by G.
Protein change: p.His160Arg; replaces histidine 160 with arginine.
Molecular consequence: missense variant.
Genome position (GRCh38, 1-based): chr17:48,728,115, T>C on the plus strand (A>G on the coding strand, the complement: HOXB13 is on the minus strand). VCF-style: chr17-48728115-T-C. GRCh37 (hg19) VCF-style: chr17-46805477-T-C.
Other names: short protein forms H160R.
Identifiers: ClinVar variation 1743148 (VCV001743148.2), dbSNP rs1597934083, ClinGen allele CA400107371.